The following is an entry in ClinVar:

NM_014241.4(HACD1):c.177G>A (p.Arg59=)

Genes: HACD1 (3-hydroxyacyl-CoA dehydratase 1; minus strand), LOC130003454 (ATAC-STARR-seq lymphoblastoid silent region 2183; plus strand). Cytogenetic location: 10p12.33.
Variant type: single nucleotide variant.
Coding change: c.177G>A on transcript NM_014241.4 (MANE Select); coding-DNA position 177, G replaced by A.
Protein change: p.Arg59=; no amino-acid change (arginine 59 retained).
Molecular consequence: synonymous variant.
Genome position (GRCh38, 1-based): chr10:17,617,163, C>T on the plus strand (G>A on the coding strand, the complement: HACD1 is on the minus strand). VCF-style: chr10-17617163-C-T. GRCh37 (hg19) VCF-style: chr10-17659162-C-T.
Identifiers: ClinVar variation 5040556 (VCV005040556.1).

ClinVar aggregate classification (germline): Likely benign (1 of 4 stars; one submission).

gnomAD v4.1: 5 of 1,505,504 alleles (0.00033%); highest among the groups gnomAD compares: Non-Finnish European, 0.00044%; no homozygotes.

Submission:

CeGaT Center for Human Genetics Tuebingen
Classification: Likely benign. Last evaluated: 2026-08-01. Review status: criteria provided, single submitter. Criteria: CeGaT Center For Human Genetics Tuebingen Variant Classification Criteria Version 2. Collection method: clinical testing. Allele origin: germline. Affected: yes. Observed: 1 variant allele.
Comment: HACD1: BP4, BP7